The following is an entry in ClinVar:

ClinVar aggregate classification (germline): Uncertain significance. Review status: criteria provided, multiple submitters, no conflicts (2 of 4 stars). 2 submissions from 2 submitters: Uncertain significance (2). Last evaluated 2026-08-08.

Conditions:
Hereditary cancer-predisposing syndrome. Also called: Hereditary Cancer Syndrome; Hereditary neoplastic syndrome; Neoplastic Syndromes, Hereditary; Tumor predisposition. Identifiers: Orphanet 140162, MedGen C0027672, MeSH D009386, MONDO:0015356.

Submissions (2):

Ambry Genetics
Classification: Uncertain significance for Hereditary cancer-predisposing syndrome. Last evaluated: 2026-08-08. Review status: criteria provided, single submitter. Criteria: Ambry Variant Classification Scheme 2023. Collection method: clinical testing. Allele origin: germline.
Comment: The p.F335I variant (also known as c.1003T>A), located in coding exon 10 of the POLE gene, results from a T to A substitution at nucleotide position 1003. The phenylalanine at codon 335 is replaced by isoleucine, an amino acid with highly similar properties. This amino acid position is conserved. In addition, this alteration is predicted to be tolerated by in silico analysis. Based on the available evidence, the clinical significance of this variant remains unclear.

Labcorp Genetics (formerly Invitae), Labcorp
Classification: Uncertain significance. Last evaluated: 2024-07-16. Review status: criteria provided, single submitter. Criteria: Invitae Variant Classification Sherloc (09022015). Collection method: clinical testing. Allele origin: germline.
Comment: This sequence change replaces phenylalanine, which is neutral and non-polar, with isoleucine, which is neutral and non-polar, at codon 335 of the POLE protein (p.Phe335Ile). This variant is not present in population databases (gnomAD no frequency). This variant has not been reported in the literature in individuals affected with POLE-related conditions. Advanced modeling of protein sequence and biophysical properties (such as structural, functional, and spatial information, amino acid conservation, physicochemical variation, residue mobility, and thermodynamic stability) performed at Invitae indicates that this missense variant is not expected to disrupt POLE protein function with a negative predictive value of 80%. In summary, the available evidence is currently insufficient to determine the role of this variant in disease. Therefore, it has been classified as a Variant of Uncertain Significance.

NM_006231.4(POLE):c.1003T>A (p.Phe335Ile)

Gene: POLE (DNA polymerase epsilon, catalytic subunit; minus strand). Cytogenetic location: 12q24.33.
Variant type: single nucleotide variant.
Coding change: c.1003T>A on transcript NM_006231.4 (MANE Select); coding-DNA position 1003, T replaced by A.
Protein change: p.Phe335Ile; replaces phenylalanine 335 with isoleucine.
Molecular consequence: missense variant.
Genome position (GRCh38, 1-based): chr12:132,676,111, A>T on the plus strand (T>A on the coding strand, the complement: POLE is on the minus strand). VCF-style: chr12-132676111-A-T. GRCh37 (hg19) VCF-style: chr12-133252697-A-T.
Other names: c.1003T>A (NM_006231.2); short protein forms F335I.
Identifiers: ClinVar variation 2811669 (VCV002811669.4), dbSNP rs2542166762, ClinGen allele CA387363494.
Genomic context (GRCh38, chr12:132,676,111, plus strand): 5'-CTTCCCACAATACCGGGTAGTTTCCCAAGTGATACCTCCTTACCTCATCGGGTTCATTGA[A>T]GACACAAAAGGGGCCTTCATATTCTGGCTTGGGGGTGAACTCAAAATCTTCAATATCTTC-3'
Protein context (NP_006222.2, residues 325-345): KPEYEGPFCV[Phe335Ile]NEPDEAHLIQ